The following is an entry in ClinVar:

NM_177438.3(DICER1):c.3763A>G (p.Ser1255Gly)

Gene: DICER1 (dicer 1, ribonuclease III; minus strand). Cytogenetic location: 14q32.13.
Variant type: single nucleotide variant.
Coding change: c.3763A>G on transcript NM_177438.3 (MANE Select); coding-DNA position 3763, A replaced by G.
Protein change: p.Ser1255Gly; replaces serine 1255 with glycine.
Molecular consequence: missense variant.
Genome position (GRCh38, 1-based): chr14:95,103,633, T>C on the plus strand (A>G on the coding strand, the complement: DICER1 is on the minus strand). VCF-style: chr14-95103633-T-C. GRCh37 (hg19) VCF-style: chr14-95569970-T-C.
Other names: c.3763A>G, p.Ser1255Gly (NM_001195573.1, NM_001271282.3, NM_001291628.2 and 1 more transcripts); short protein forms S1255G.
Identifiers: ClinVar variation 940319 (VCV000940319.14), dbSNP rs1891108676, ClinGen allele CA390873603.
Genomic context (GRCh38, chr14:95,103,633, plus strand): 5'-TCCTGCCCTTGAGCACTTGAATAGTGTCTGTCGTACCAGGCATTACGGCCATCACAGGAC[T>C]TCCATCTGAGGTAGATTTGTTAGCATTTCCATCAAGGTATTTATTACTCAGGAGAGTACA-3'
Protein context (NP_803187.1, residues 1245-1265): GNANKSTSDG[Ser1255Gly]PVMAVMPGTT

ClinVar aggregate classification (germline): Uncertain significance. Review status: criteria provided, multiple submitters, no conflicts (2 of 4 stars). 2 submissions from 2 submitters: Uncertain significance (2). Last evaluated 2025-07-03.

Conditions:
DICER1-related tumor predisposition. Also called: DICER1 syndrome; DICER1-related pleuropulmonary blastoma cancer predisposition syndrome. Identifiers: Orphanet 284343, MedGen C3839822, MONDO:0100216.
Hereditary cancer-predisposing syndrome. Also called: Tumor predisposition; Hereditary neoplastic syndrome; Neoplastic Syndromes, Hereditary; Hereditary Cancer Syndrome. Identifiers: Orphanet 140162, MedGen C0027672, MeSH D009386, MONDO:0015356.

gnomAD v4.1: 2 of 1,614,202 alleles (0.00012%); highest among the groups gnomAD compares: Non-Finnish European, 0.00017%; no homozygotes.

Submissions (2):

Ambry Genetics
Classification: Uncertain significance for Hereditary cancer-predisposing syndrome. Last evaluated: 2025-07-03. Review status: criteria provided, single submitter. Criteria: Ambry Variant Classification Scheme 2023. Collection method: clinical testing. Allele origin: germline.
Comment: The p.S1255G variant (also known as c.3763A>G), located in coding exon 20 of the DICER1 gene, results from an A to G substitution at nucleotide position 3763. The serine at codon 1255 is replaced by glycine, an amino acid with similar properties. This amino acid position is not well conserved in available vertebrate species. In addition, this alteration is predicted to be tolerated by in silico analysis. Since supporting evidence is limited at this time, the clinical significance of this alteration remains unclear.

Labcorp Genetics (formerly Invitae), Labcorp
Classification: Uncertain significance for DICER1-related tumor predisposition. Last evaluated: 2019-09-01. Review status: criteria provided, single submitter. Criteria: Invitae Variant Classification Sherloc (09022015). Collection method: clinical testing. Allele origin: germline.
Comment: In summary, the available evidence is currently insufficient to determine the role of this variant in disease. Therefore, it has been classified as a Variant of Uncertain Significance. Algorithms developed to predict the effect of missense changes on protein structure and function (SIFT, PolyPhen-2, Align-GVGD) all suggest that this variant is likely to be tolerated, but these predictions have not been confirmed by published functional studies and their clinical significance is uncertain. This variant has not been reported in the literature in individuals with DICER1-related conditions. This variant is not present in population databases (ExAC no frequency). This sequence change replaces serine with glycine at codon 1255 of the DICER1 protein (p.Ser1255Gly). The serine residue is weakly conserved and there is a small physicochemical difference between serine and glycine.